The following is an entry in ClinVar:

ClinVar aggregate classification (germline): Pathogenic (1 of 4 stars; one submission).

Conditions:
Hereditary breast ovarian cancer syndrome. Also called: Hereditary breast and ovarian cancer; Hereditary breast and ovarian cancer syndrome; Breast and ovarian cancer; BRCA1- and BRCA2-Associated Hereditary Breast and Ovarian Cancer; Hereditary breast and ovarian cancer syndrome (HBOC); Hereditary breast and/or ovarian cancer syndrome. Identifiers: Orphanet 145, MedGen C0677776, MeSH D061325, MONDO:0003582. Disease mechanism: loss of function.

Submission:

Labcorp Genetics (formerly Invitae), Labcorp
Classification: Pathogenic for Hereditary breast ovarian cancer syndrome. Last evaluated: 2023-08-14. Review status: criteria provided, single submitter. Criteria: Invitae Variant Classification Sherloc (09022015). Collection method: clinical testing. Allele origin: germline.
Comment: This variant has not been reported in the literature in individuals affected with BRCA1-related conditions. For these reasons, this variant has been classified as Pathogenic. This variant is not present in population databases (gnomAD no frequency). This sequence change creates a premature translational stop signal (p.Gln1401Hisfs*4) in the BRCA1 gene. It is expected to result in an absent or disrupted protein product. Loss-of-function variants in BRCA1 are known to be pathogenic (PMID: 20104584).

Literature cited by the submitters: PubMed 20104584.

NM_007294.4(BRCA1):c.4203del (p.Gln1401fs)

Gene: BRCA1 (BRCA1 DNA repair associated; minus strand). Cytogenetic location: 17q21.31.
Variant type: Deletion.
Coding change: c.4203del on transcript NM_007294.4 (MANE Select); coding-DNA position 4203, one base deleted (A; older notation c.4203delA).
Protein change: p.Gln1401fs; shifts the reading frame from glutamine 1401.
Molecular consequence: frameshift variant.
Genome position (GRCh38, 1-based): chr17:43,082,558, T deleted on the plus strand (A on the coding strand, the reverse complement: BRCA1 is on the minus strand); the first of 2 consecutive T bases (chr17:43,082,558-43,082,559); deleting either gives the same sequence. VCF-style (leftmost placement, unchanged base first): chr17-43082557-GT-G. GRCh37 (hg19) VCF-style: chr17-41234574-GT-G.
Other names: c.4062del, p.Gln1354fs (NM_001407944.1, NM_001407945.1, NM_001407942.1 and 23 more transcripts); c.4200del, p.Gln1400fs (NM_001407641.1, NM_001407642.1, NM_001407587.1 and 21 more transcripts); c.4197del, p.Gln1399fs (NM_001407644.1, NM_001407645.1, NM_001407627.1 and 5 more transcripts); c.4191del, p.Gln1397fs (NM_001407646.1, NM_001407647.1); c.4080del, p.Gln1360fs (NM_001407648.1, NM_001407664.1, NM_001407665.1 and 13 more transcripts); c.4077del, p.Gln1359fs (NM_001407649.1, NM_001407940.1, NM_001407941.1 and 12 more transcripts); c.4203del, p.Gln1401fs (NM_001407652.1, NM_007300.4, NM_001407581.1 and 23 more transcripts); c.4125del, p.Gln1375fs (NM_001407653.1, NM_001407654.1, NM_001407655.1 and 2 more transcripts); and 52 more; short protein forms Q1273fs, Q1274fs, Q1290fs, Q130fs, Q1312fs, Q1330fs, Q1333fs, Q1334fs.
Identifiers: ClinVar variation 2752483 (VCV002752483.3), dbSNP rs2551935515, ClinGen allele CA2697559870.